The following is an entry in ClinVar:

NM_004523.4(KIF11):c.102dup (p.Ala35fs)

Gene: KIF11 (kinesin family member 11; plus strand). Cytogenetic location: 10q23.33.
Variant type: Duplication.
Coding change: c.102dup on transcript NM_004523.4 (MANE Select); coding-DNA position 102, one base duplicated (A; older notation c.102dupA).
Protein change: p.Ala35fs; shifts the reading frame from alanine 35.
Molecular consequence: frameshift variant.
Genome position (GRCh38, 1-based): chr10:92,606,289, A duplicated; the last of 3 consecutive A bases (chr10:92,606,287-92,606,289); duplicating any one gives the same sequence. VCF-style (leftmost placement, unchanged base first): chr10-92606286-G-GA. GRCh37 (hg19) VCF-style: chr10-94366043-G-GA.
Other names: short protein forms A35fs.
Identifiers: ClinVar variation 952931 (VCV000952931.7), dbSNP rs1844429967, ClinGen allele CA1139661629.

ClinVar aggregate classification (germline): Pathogenic (1 of 4 stars; one submission).

Submission:

Labcorp Genetics (formerly Invitae), Labcorp
Classification: Pathogenic. Last evaluated: 2019-08-06. Review status: criteria provided, single submitter. Criteria: Invitae Variant Classification Sherloc (09022015). Collection method: clinical testing. Allele origin: germline.
Comment: This sequence change creates a premature translational stop signal (p.Ala35Serfs*2) in the KIF11 gene. It is expected to result in an absent or disrupted protein product. This variant is not present in population databases (ExAC no frequency). This variant has not been reported in the literature in individuals with KIF11-related conditions. Loss-of-function variants in KIF11 are known to be pathogenic (PMID: 24281367). For these reasons, this variant has been classified as Pathogenic.

Literature cited by the submitters: PubMed 24281367.